The following is an entry in ClinVar:

NM_014270.5(SLC7A9):c.225C>T (p.Leu75=)

Gene: SLC7A9 (solute carrier family 7 member 9; minus strand). Cytogenetic location: 19q13.11.
Variant type: single nucleotide variant.
Coding change: c.225C>T on transcript NM_014270.5 (MANE Select); coding-DNA position 225, C replaced by T.
Protein change: p.Leu75=; no amino-acid change (leucine 75 retained).
Molecular consequence: synonymous variant.
Genome position (GRCh38, 1-based): chr19:32,864,639, G>A on the plus strand (C>T on the coding strand, the complement: SLC7A9 is on the minus strand). VCF-style: chr19-32864639-G-A. GRCh37 (hg19) VCF-style: chr19-33355545-G-A.
Other names: c.225C>T, p.Leu75= (NM_001126335.2, NM_001243036.2).
Identifiers: ClinVar variation 1179193 (VCV001179193.4), dbSNP rs753121162, ClinGen allele CA9358915.

ClinVar aggregate classification (germline): Likely pathogenic. Review status: criteria provided, multiple submitters, no conflicts (2 of 4 stars). 2 submissions from 2 submitters: Likely pathogenic (2). Last evaluated 2025-01-16.

Conditions:
Cystinuria (CSNU). Also called: CYSTINURIA, TYPE I; CYSTINURIA, TYPE II; CYSTINURIA, TYPE III; Cystinuria, non-type I. Identifiers: Orphanet 214, MedGen C0010691, MONDO:0009067, OMIM 220100, HP:0003131.

Allele frequency attached by ClinVar (database versions not stated): gnomAD exomes below 0.00001; ExAC 0.00001.
gnomAD v4.1: 12 of 1,613,730 alleles (0.00074%); highest among the groups gnomAD compares: Middle Eastern, 0.017%; no homozygotes.

Submissions (2):

First Genomix Gene Laboratory, Genetic Diagnostics Department
Classification: Likely pathogenic for Cystinuria. Last evaluated: 2025-01-16. Review status: criteria provided, single submitter. Criteria: ACMG Guidelines, 2015. Collection method: clinical testing. Allele origin: germline. Inheritance: Autosomal recessive inheritance. Affected: no. Observed: 1 variant allele.

Fulgent Genetics
Classification: Likely pathogenic for Cystinuria. Last evaluated: 2022-05-02. Review status: criteria provided, single submitter. Criteria: ACMG Guidelines, 2015. Collection method: clinical testing. Allele origin: unknown.